The following is an entry in ClinVar:

ClinVar aggregate classification (germline): Uncertain significance (1 of 4 stars; one submission).

Allele frequency attached by ClinVar (database versions not stated): gnomAD exomes 0.00001.
gnomAD v4.1: 3 of 1,611,486 alleles (0.00019%); highest among the groups gnomAD compares: Non-Finnish European, 0.00025%; no homozygotes.

Submission:

Ambry Genetics
Classification: Uncertain significance. Last evaluated: 2024-12-06. Review status: criteria provided, single submitter. Criteria: Ambry Variant Classification Scheme 2023. Collection method: clinical testing. Allele origin: germline.
Comment: The p.Y320C variant (also known as c.959A>G), located in coding exon 8 of the RECQL gene, results from an A to G substitution at nucleotide position 959. The tyrosine at codon 320 is replaced by cysteine, an amino acid with highly dissimilar properties. This amino acid position is highly conserved in available vertebrate species. In addition, this alteration is predicted to be deleterious by in silico analysis. The evidence for this gene-disease relationship is limited; therefore, the clinical significance of this alteration is unclear.

NM_002907.4(RECQL):c.959A>G (p.Tyr320Cys)

Gene: RECQL (RecQ like helicase; minus strand). Cytogenetic location: 12p12.1.
Variant type: single nucleotide variant.
Coding change: c.959A>G on transcript NM_002907.4 (MANE Select); coding-DNA position 959, A replaced by G.
Protein change: p.Tyr320Cys; replaces tyrosine 320 with cysteine.
Molecular consequence: missense variant.
Genome position (GRCh38, 1-based): chr12:21,475,815, T>C on the plus strand (A>G on the coding strand, the complement: RECQL is on the minus strand). VCF-style: chr12-21475815-T-C. GRCh37 (hg19) VCF-style: chr12-21628749-T-C.
Other names: c.959A>G, p.Tyr320Cys (NM_032941.3); short protein forms Y320C.
Identifiers: ClinVar variation 1767493 (VCV001767493.3), dbSNP rs1325347662, ClinGen allele CA384122423.
Genomic context (GRCh38, chr12:21,475,815, plus strand): 5'-TGAATTCCCAGATTCTGCAAACTAACCGTAACTTGTTCAGAGTCTTTCTGAGAAAAACAA[T>C]ATATGATTCCTGCAGTAAAATATGTGCATTTGTTAGATAGATATGGCATATTCCTGGAAG-3'
Protein context (NP_002898.2, residues 310-330): GRYKGQSGII[Tyr320Cys]CFSQKDSEQV